The following is an entry in ClinVar:

NM_001291303.3(FAT4):c.1174G>A (p.Gly392Arg)

Gene: FAT4 (FAT atypical cadherin 4; plus strand). Cytogenetic location: 4q28.1.
Variant type: single nucleotide variant.
Coding change: c.1174G>A on transcript NM_001291303.3 (MANE Select); coding-DNA position 1174, G replaced by A.
Protein change: p.Gly392Arg; replaces glycine 392 with arginine.
Molecular consequence: missense variant.
Genome position (GRCh38, 1-based): chr4:125,317,585, G>A. VCF-style: chr4-125317585-G-A. GRCh37 (hg19) VCF-style: chr4-126238740-G-A.
Other names: c.1174G>A, p.Gly392Arg (NM_001291285.3, NM_024582.6); short protein forms G392R.
Identifiers: ClinVar variation 2709694 (VCV002709694.3), dbSNP rs748256066, ClinGen allele CA3071933.

ClinVar aggregate classification (germline): Uncertain significance (1 of 4 stars; one submission).

Allele frequency attached by ClinVar (database versions not stated): ExAC 0.00001.

Submission:

Labcorp Genetics (formerly Invitae), Labcorp
Classification: Uncertain significance. Last evaluated: 2024-01-16. Review status: criteria provided, single submitter. Criteria: Invitae Variant Classification Sherloc (09022015). Collection method: clinical testing. Allele origin: germline.
Comment: This sequence change replaces glycine, which is neutral and non-polar, with arginine, which is basic and polar, at codon 392 of the FAT4 protein (p.Gly392Arg). This variant is present in population databases (rs748256066, gnomAD 0.003%). This variant has not been reported in the literature in individuals affected with FAT4-related conditions. Advanced modeling of protein sequence and biophysical properties (such as structural, functional, and spatial information, amino acid conservation, physicochemical variation, residue mobility, and thermodynamic stability) performed at Invitae indicates that this missense variant is not expected to disrupt FAT4 protein function with a negative predictive value of 80%. In summary, the available evidence is currently insufficient to determine the role of this variant in disease. Therefore, it has been classified as a Variant of Uncertain Significance.